The following is an entry in ClinVar:

NM_001100913.3(PACS2):c.1770C>A (p.Val590=)

Gene: PACS2 (phosphofurin acidic cluster sorting protein 2; plus strand). Cytogenetic location: 14q32.33.
Variant type: single nucleotide variant.
Coding change: c.1770C>A on transcript NM_001100913.3 (MANE Select); coding-DNA position 1770, C replaced by A.
Protein change: p.Val590=; no amino-acid change (valine 590 retained).
Molecular consequence: synonymous variant.
Genome position (GRCh38, 1-based): chr14:105,383,503, C>A. VCF-style: chr14-105383503-C-A. GRCh37 (hg19) VCF-style: chr14-105849840-C-A.
Other names: c.1533C>A, p.Val511= (NM_001243127.3); c.1758C>A, p.Val586= (NM_015197.4).
Identifiers: ClinVar variation 3648302 (VCV003648302.2).

ClinVar aggregate classification (germline): Uncertain significance (1 of 4 stars; one submission).

Submission:

Labcorp Genetics (formerly Invitae), Labcorp
Classification: Uncertain significance. Last evaluated: 2024-04-01. Review status: criteria provided, single submitter. Criteria: Invitae Variant Classification Sherloc (09022015). Collection method: clinical testing. Allele origin: germline.
Comment: This sequence change affects codon 590 of the PACS2 mRNA. It is a 'silent' change, meaning that it does not change the encoded amino acid sequence of the PACS2 protein. This variant is not present in population databases (gnomAD no frequency). This variant has not been reported in the literature in individuals affected with PACS2-related conditions. Algorithms developed to predict the effect of sequence changes on RNA splicing suggest that this variant may create or strengthen a splice site. In summary, the available evidence is currently insufficient to determine the role of this variant in disease. Therefore, it has been classified as a Variant of Uncertain Significance.